The following is an entry in ClinVar:

NM_001003694.2(BRPF1):c.3539AGA[1] (p.Lys1181del)

Gene: BRPF1 (bromodomain and PHD finger containing 1; plus strand). Cytogenetic location: 3p25.3.
Variant type: Microsatellite.
Coding change: c.3539AGA[1] on transcript NM_001003694.2 (MANE Select); one copy of the 3-base unit AGA starting at c.3539; the reference has two copies in a row; one copy, 3 bases deleted.
Protein change: p.Lys1181del; deletes lysine 1181.
Molecular consequence: inframe deletion. On other transcripts: non-coding transcript variant (1).
Genome position (GRCh38, 1-based): chr3:9,747,228-9,747,230, AGA deleted; deleting any 3 consecutive bases within chr3:9,747,225-9,747,230 gives the same sequence; the position shown is the placement nearest the transcript's 3' end. VCF-style (leftmost placement, unchanged base first): chr3-9747224-GAGA-G. GRCh37 (hg19) VCF-style: chr3-9788908-GAGA-G.
Other names: c.3236AGA[1], p.Lys1080del (NM_001319049.2); c.3518AGA[1], p.Lys1174del (NM_001319050.2); c.3536AGA[1], p.Lys1180del (NM_001410704.1); c.3521AGA[1], p.Lys1175del (NM_004634.3); short protein forms K1080del, K1174del, K1175del, K1180del, K1181del.
Identifiers: ClinVar variation 2579869 (VCV002579869.1), dbSNP rs2471524537, ClinGen allele CA2580617901.

ClinVar aggregate classification (germline): Uncertain significance (1 of 4 stars; one submission).

Submission:

GeneDx
Classification: Uncertain significance. Last evaluated: 2023-03-12. Review status: criteria provided, single submitter. Criteria: GeneDx Variant Classification Process June 2021. Collection method: clinical testing. Allele origin: germline. Affected: yes.
Comment: Not observed at significant frequency in large population cohorts (gnomAD); In-frame deletion of one amino acid in a non-repeat region; In silico analysis supports a deleterious effect on protein structure/function; Has not been previously published as pathogenic or benign to our knowledge